The following is an entry in ClinVar:

ClinVar aggregate classification (germline): Uncertain significance (1 of 4 stars; one submission).

Conditions:
Familial cancer of breast. Also called: hereditary breast carcinoma; BREAST CANCER, FAMILIAL; Hereditary breast cancer. Identifiers: Orphanet 227535, MedGen C0346153, MONDO:0016419, OMIM 114480. Disease mechanism: loss of function.

Submission:

Labcorp Genetics (formerly Invitae), Labcorp
Classification: Uncertain significance for Familial cancer of breast. Last evaluated: 2022-08-05. Review status: criteria provided, single submitter. Criteria: Invitae Variant Classification Sherloc (09022015). Collection method: clinical testing. Allele origin: germline.
Comment: This sequence change replaces glutamic acid, which is acidic and polar, with valine, which is neutral and non-polar, at codon 302 of the CHEK2 protein (p.Glu302Val). This variant is not present in population databases (gnomAD no frequency). This variant has not been reported in the literature in individuals affected with CHEK2-related conditions. Algorithms developed to predict the effect of missense changes on protein structure and function are either unavailable or do not agree on the potential impact of this missense change (SIFT: "Deleterious"; PolyPhen-2: "Probably Damaging"; Align-GVGD: "Class C0"). Algorithms developed to predict the effect of sequence changes on RNA splicing suggest that this variant may disrupt the consensus splice site. In summary, the available evidence is currently insufficient to determine the role of this variant in disease. Therefore, it has been classified as a Variant of Uncertain Significance.

NM_007194.4(CHEK2):c.905A>T (p.Glu302Val)

Gene: CHEK2 (checkpoint kinase 2; minus strand). Cytogenetic location: 22q12.1.
Variant type: single nucleotide variant.
Coding change: c.905A>T on transcript NM_007194.4 (MANE Select); coding-DNA position 905, A replaced by T.
Protein change: p.Glu302Val; replaces glutamic acid 302 with valine.
Molecular consequence: missense variant.
Genome position (GRCh38, 1-based): chr22:28,703,508, T>A on the plus strand (A>T on the coding strand, the complement: CHEK2 is on the minus strand). VCF-style: chr22-28703508-T-A. GRCh37 (hg19) VCF-style: chr22-29099496-T-A.
Other names: c.905A>T, p.Glu302Val (NM_145862.3); c.1034A>T, p.Glu345Val (NM_001005735.3); c.242A>T, p.Glu81Val (NM_001257387.3); c.704A>T, p.Glu235Val (NM_001349956.3); short protein forms E345V, E81V, E235V, E302V.
Identifiers: ClinVar variation 2021681 (VCV002021681.4), dbSNP rs1480964932, ClinGen allele CA411100920.